The following is an entry in ClinVar:

NM_020762.4(SRGAP1):c.861G>A (p.Ala287=)

Gene: SRGAP1 (SLIT-ROBO Rho GTPase activating protein 1; plus strand). Cytogenetic location: 12q14.2.
Variant type: single nucleotide variant.
Coding change: c.861G>A on transcript NM_020762.4 (MANE Select); coding-DNA position 861, G replaced by A.
Protein change: p.Ala287=; no amino-acid change (alanine 287 retained).
Molecular consequence: synonymous variant.
Genome position (GRCh38, 1-based): chr12:64,062,976, G>A. VCF-style: chr12-64062976-G-A. GRCh37 (hg19) VCF-style: chr12-64456756-G-A.
Other names: c.861G>A, p.Ala287= (NM_001346201.2).
Identifiers: ClinVar variation 4978853 (VCV004978853.1).
Genomic context (GRCh38, chr12:64,062,976, plus strand): 5'-GTGCTGTGATCTTGGCTACCATGCAAGTCTGAACAGAGCCCTAAGAACATATCTGTCTGC[G>A]GAGTACAACCTTGAAACCTCCAGACATGAGGGCTTAGACATTATTGAGAATGCAGTTGAT-3'
Protein context (NP_065813.1, residues 277-297): LNRALRTYLS[Ala287=]EYNLETSRHE

ClinVar aggregate classification (germline): Likely benign (1 of 4 stars; one submission).

Conditions:
SRGAP1-related disorder. Also called: SRGAP1-related condition.

gnomAD v4.1: 30 of 1,613,912 alleles (0.0019%); highest among the groups gnomAD compares: African/African-American, 0.023%; no homozygotes.

Submission:

PreventionGenetics, part of Exact Sciences
Classification: Likely benign for SRGAP1-related condition. Last evaluated: 2025-06-10. Review status: criteria provided, single submitter. Criteria: ACMG Guidelines, 2015. Collection method: clinical testing. Allele origin: germline.
Comment: This variant is classified as likely benign based on ACMG/AMP sequence variant interpretation guidelines (Richards et al. 2015 PMID: 25741868, with internal and published modifications).